The following is an entry in ClinVar:

ClinVar aggregate classification (germline): Uncertain significance (1 of 4 stars; one submission).

Conditions:
Catecholaminergic polymorphic ventricular tachycardia 1. Also called: VENTRICULAR TACHYCARDIA, CATECHOLAMINERGIC POLYMORPHIC, 1, WITH OR WITHOUT ATRIAL DYSFUNCTION AND/OR DILATED CARDIOMYOPATHY; VENTRICULAR TACHYCARDIA, STRESS-INDUCED POLYMORPHIC 1; RYR2-Related Catecholaminergic Polymorphic Ventricular Tachycardia. Identifiers: Orphanet 3286, MedGen C1631597, MONDO:0011484, OMIM 604772.

Allele frequency attached by ClinVar (database versions not stated): gnomAD exomes below 0.00001; TOPMed below 0.00001; gnomAD 0.00001.
gnomAD v4.1: 2 of 1,612,060 alleles (0.00012%); highest among the groups gnomAD compares: East Asian, 0.0045%; no homozygotes.

Submission:

Labcorp Genetics (formerly Invitae), Labcorp
Classification: Uncertain significance for Catecholaminergic polymorphic ventricular tachycardia 1. Last evaluated: 2021-03-22. Review status: criteria provided, single submitter. Criteria: Invitae Variant Classification Sherloc (09022015). Collection method: clinical testing. Allele origin: germline.
Comment: In summary, the available evidence is currently insufficient to determine the role of this variant in disease. Therefore, it has been classified as a Variant of Uncertain Significance. Advanced modeling of protein sequence and biophysical properties (such as structural, functional, and spatial information, amino acid conservation, physicochemical variation, residue mobility, and thermodynamic stability) performed at Invitae indicates that this missense variant is not expected to disrupt RYR2 protein function. This variant has not been reported in the literature in individuals with RYR2-related conditions. This variant is not present in population databases (ExAC no frequency). This sequence change replaces glutamine with lysine at codon 903 of the RYR2 protein (p.Gln903Lys). The glutamine residue is highly conserved and there is a small physicochemical difference between glutamine and lysine.

NM_001035.3(RYR2):c.2707C>A (p.Gln903Lys)

Gene: RYR2 (ryanodine receptor 2; plus strand). Cytogenetic location: 1q43.
Variant type: single nucleotide variant.
Coding change: c.2707C>A on transcript NM_001035.3 (MANE Select); coding-DNA position 2707, C replaced by A.
Protein change: p.Gln903Lys; replaces glutamine 903 with lysine.
Molecular consequence: missense variant.
Genome position (GRCh38, 1-based): chr1:237,506,803, C>A. VCF-style: chr1-237506803-C-A. GRCh37 (hg19) VCF-style: chr1-237670103-C-A.
Other names: short protein forms Q903K.
Identifiers: ClinVar variation 1489588 (VCV001489588.9), dbSNP rs1458382114, ClinGen allele CA345381460.